The following is an entry in ClinVar:

NM_001854.4(COL11A1):c.1351-3T>C

Gene: COL11A1 (collagen type XI alpha 1 chain; minus strand). Cytogenetic location: 1p21.1.
Variant type: single nucleotide variant.
Coding change: c.1351-3T>C on transcript NM_001854.4 (MANE Select); 3 bases into the intron before coding-DNA position 1351, T replaced by C.
Molecular consequence: intron variant.
Genome position (GRCh38, 1-based): chr1:103,017,885, A>G on the plus strand (T>C on the coding strand, the complement: COL11A1 is on the minus strand). VCF-style: chr1-103017885-A-G. GRCh37 (hg19) VCF-style: chr1-103483441-A-G.
Other names: c.1234-3T>C (NM_001190709.2); c.1387-3T>C (NM_080629.3); c.1003-3T>C (NM_080630.4).
Identifiers: ClinVar variation 2816000 (VCV002816000.3), dbSNP rs1296607621, ClinGen allele CA2574450162.

ClinVar aggregate classification (germline): Uncertain significance (1 of 4 stars; one submission).

gnomAD v4.1: 1 of 1,610,346 alleles (0.000062%); highest among the groups gnomAD compares: Non-Finnish European, 0.000085%; no homozygotes.

Submission:

Labcorp Genetics (formerly Invitae), Labcorp
Classification: Uncertain significance. Last evaluated: 2022-11-23. Review status: criteria provided, single submitter. Criteria: Invitae Variant Classification Sherloc (09022015). Collection method: clinical testing. Allele origin: germline.
Comment: In summary, the available evidence is currently insufficient to determine the role of this variant in disease. Therefore, it has been classified as a Variant of Uncertain Significance. Variants that disrupt the consensus splice site are a relatively common cause of aberrant splicing (PMID: 17576681, 9536098). Algorithms developed to predict the effect of sequence changes on RNA splicing suggest that this variant is not likely to affect RNA splicing. This variant has not been reported in the literature in individuals affected with COL11A1-related conditions. This variant is not present in population databases (gnomAD no frequency). This sequence change falls in intron 10 of the COL11A1 gene. It does not directly change the encoded amino acid sequence of the COL11A1 protein. It affects a nucleotide within the consensus splice site.

Literature cited by the submitters: PubMed 17576681; PubMed 9536098.